The following is an entry in ClinVar:

ClinVar aggregate classification (germline): Uncertain significance. Review status: criteria provided, multiple submitters, no conflicts (2 of 4 stars). 3 submissions from 3 submitters: Uncertain significance (3). Last evaluated 2026-04-20.

Conditions:
Inborn genetic diseases. Identifiers: MedGen C0950123, MeSH D030342.
FAM20C-related disorder. Also called: FAM20C-related condition.

Allele frequency attached by ClinVar (database versions not stated): TOPMed 0.00010.
gnomAD v4.1: 262 of 1,536,118 alleles (0.017%); highest among the groups gnomAD compares: Non-Finnish European, 0.02%; 1 homozygote.

Submissions (3):

PreventionGenetics, part of Exact Sciences
Classification: Uncertain significance for FAM20C-related condition. Last evaluated: 2026-04-20. Review status: criteria provided, single submitter. Criteria: ACMG Guidelines, 2015. Collection method: clinical testing. Allele origin: germline.
Comment: The FAM20C c.1182C>G variant is predicted to result in the amino acid substitution p.Asp394Glu. This variant has been observed in the heterozygous state in an individual from a cohort of patients with craniosynostosis, along with a POLR2A missense variant, both reported as variants of uncertain significance (VUS) (patient P2603_114 in Table S3, Topa et al. 2023. PubMed ID: 38318288). This variant is reported in 0.045% of alleles in individuals of European (Finnish) descent in gnomAD. At this time, the clinical significance of this variant is uncertain due to the absence of conclusive functional and genetic evidence.

Ambry Genetics
Classification: Uncertain significance for Inborn genetic diseases. Last evaluated: 2025-01-26. Review status: criteria provided, single submitter. Criteria: Ambry Variant Classification Scheme 2023. Collection method: clinical testing. Allele origin: germline.

Labcorp Genetics (formerly Invitae), Labcorp
Classification: Uncertain significance. Last evaluated: 2024-10-08. Review status: criteria provided, single submitter. Criteria: Invitae Variant Classification Sherloc (09022015). Collection method: clinical testing. Allele origin: germline.
Comment: This sequence change replaces aspartic acid, which is acidic and polar, with glutamic acid, which is acidic and polar, at codon 394 of the FAM20C protein (p.Asp394Glu). This variant is present in population databases (no rsID available, gnomAD 0.05%). This variant has not been reported in the literature in individuals affected with FAM20C-related conditions. ClinVar contains an entry for this variant (Variation ID: 2458547). Invitae Evidence Modeling of protein sequence and biophysical properties (such as structural, functional, and spatial information, amino acid conservation, physicochemical variation, residue mobility, and thermodynamic stability) indicates that this missense variant is not expected to disrupt FAM20C protein function with a negative predictive value of 80%. In summary, the available evidence is currently insufficient to determine the role of this variant in disease. Therefore, it has been classified as a Variant of Uncertain Significance.

NM_020223.4(FAM20C):c.1182C>G (p.Asp394Glu)

Gene: FAM20C (FAM20C golgi associated secretory pathway kinase; plus strand). Cytogenetic location: 7p22.3.
Variant type: single nucleotide variant.
Coding change: c.1182C>G on transcript NM_020223.4 (MANE Select); coding-DNA position 1182, C replaced by G.
Protein change: p.Asp394Glu; replaces aspartic acid 394 with glutamic acid.
Molecular consequence: missense variant.
Genome position (GRCh38, 1-based): chr7:255,958, C>G. VCF-style: chr7-255958-C-G. GRCh37 (hg19) VCF-style: chr7-295924-C-G.
Other names: c.1182C>G (NM_020223.3); short protein forms D394E.
Identifiers: ClinVar variation 2458547 (VCV002458547.5), dbSNP rs977964806, ClinGen allele CA152282234.